The following is an entry in ClinVar:

NM_002113.3(CFHR1):c.435T>C (p.Thr145=)

Gene: CFHR1 (complement factor H related 1; plus strand). Cytogenetic location: 1q31.3.
Variant type: single nucleotide variant.
Coding change: c.435T>C on transcript NM_002113.3 (MANE Select); coding-DNA position 435, T replaced by C.
Protein change: p.Thr145=; no amino-acid change (threonine 145 retained).
Molecular consequence: synonymous variant. On other transcripts: intron variant (1).
Genome position (GRCh38, 1-based): chr1:196,828,074, T>C. VCF-style: chr1-196828074-T-C. GRCh37 (hg19) VCF-style: chr1-196797204-T-C.
Other names: c.384T>C, p.Thr128= (NM_001379306.1); c.273T>C, p.Thr91= (NM_001379307.1); c.270T>C, p.Thr90= (NM_001379308.1); c.267T>C, p.Thr89= (NM_001379309.1); c.240T>C, p.Thr80= (NM_001379310.1); c.192T>C, p.Thr64= (NM_001379312.1); c.254-23T>C (NM_001379311.1).
Identifiers: ClinVar variation 4681393 (VCV004681393.5).

ClinVar aggregate classification (germline): Likely benign (1 of 4 stars; one submission).

Submission:

CeGaT Center for Human Genetics Tuebingen
Classification: Likely benign. Last evaluated: 2025-12-01. Review status: criteria provided, single submitter. Criteria: CeGaT Center For Human Genetics Tuebingen Variant Classification Criteria Version 2. Collection method: clinical testing. Allele origin: germline. Affected: yes. Observed: 1 variant allele.
Comment: CFHR1: BP4, BP7